The following is an entry in ClinVar:

NM_002382.5(MAX):c.37-15del

Gene: MAX (MYC associated transcriptional regulator X; minus strand). Cytogenetic location: 14q23.3.
Variant type: Deletion.
Coding change: c.37-15del on transcript NM_002382.5 (MANE Select); 15 bases into the intron before coding-DNA position 37, one base deleted (T; older notation c.37-15delT).
Molecular consequence: intron variant.
Genome position (GRCh38, 1-based): chr14:65,101,587, A deleted on the plus strand (T on the coding strand, the reverse complement: MAX is on the minus strand); the first of 11 consecutive A bases (chr14:65,101,587-65,101,597); deleting any one gives the same sequence. VCF-style (leftmost placement, unchanged base first): chr14-65101586-GA-G. GRCh37 (hg19) VCF-style: chr14-65568304-GA-G.
Other names: c.36+717del (NM_001271069.2, NM_145112.3, NM_001271068.2); c.37-15del (NM_197957.4, NM_145113.3, NM_145114.3 and 1 more transcripts); c.-238-15del (NM_001320415.2); c.37-15delT (NM_002382.3).
Identifiers: ClinVar variation 496156 (VCV000496156.8), dbSNP rs747340873, ClinGen allele CA7233002.

ClinVar aggregate classification (germline): Benign/Likely benign. Review status: criteria provided, multiple submitters, no conflicts (2 of 4 stars). 7 submissions from 7 submitters: Benign (3); Likely benign (2). 2 of the submissions do not count toward it. Last evaluated 2024-11-22.

Conditions:
Hereditary pheochromocytoma and paraganglioma. Also called: Hereditary pheochromocytoma-paraganglioma; Hereditary paragangliomas and pheochromocytomas; Hereditary Paraganglioma-Pheochromocytoma Syndromes. Identifiers: Orphanet 29072, MedGen C4274332, MONDO:0017366.

Submissions (7):

Blueprint Genetics
Classification: Likely benign. Last evaluated: 2024-11-22. Review status: criteria provided, single submitter. Criteria: ACMG Guidelines, 2015. Collection method: clinical testing. Allele origin: germline.

Labcorp Genetics (formerly Invitae), Labcorp
Classification: Benign for Hereditary pheochromocytoma and paraganglioma. Last evaluated: 2024-11-04. Review status: criteria provided, single submitter. Criteria: Invitae Variant Classification Sherloc (09022015). Collection method: clinical testing. Allele origin: germline.

Department of Pathology and Laboratory Medicine, Sinai Health System
Classification: Benign for hereditary pheochromocytoma-paraganglioma. Last evaluated: 2023-04-24. Review status: criteria provided, single submitter. Criteria: ACMG Guidelines, 2015. Collection method: clinical testing. Allele origin: germline. Affected: yes.

GeneDx
Classification: Likely benign. Last evaluated: 2019-08-13. Review status: criteria provided, single submitter. Criteria: GeneDx Variant Classification Process June 2021. Collection method: clinical testing. Allele origin: germline. Affected: yes.

Women's Health and Genetics/Laboratory Corporation of America, LabCorp
Classification: Benign. Last evaluated: 2016-04-28. Review status: criteria provided, single submitter. Criteria: LabCorp Variant Classification Summary - May 2015. Collection method: clinical testing. Allele origin: germline.
Comment: Variant summary: The variant of interest is located at a non-conserved intronic position, not widely known to affect splicing, with 5/5 in silico programs via Alamut predicting no significant effect on splicing, although these predictions have yet to be functionally assessed. The variant of interest was observed in the large, broad control population, ExAC, with an allele frequency of 2453/48344 (1/19), which exceeds the predicted maximum expected allele frequency for a pathogenic MAX variant of 1/40000000. The variant of interest, to our knowledge, has not been reported in affected individuals via publications and/or reputable databases/clinical laboratories. Therefore, the variant of interest is classified as Benign.

Clinical Genetics Laboratory, Department of Pathology, Netherlands Cancer Institute
Classification: Benign. Review status: no assertion criteria provided. Collection method: clinical testing. Allele origin: germline. Affected: yes. Study: VKGL Data-share Consensus. Not counted in ClinVar's aggregate classification.

Genome Diagnostics Laboratory, Amsterdam University Medical Center
Classification: Likely benign. Review status: no assertion criteria provided. Collection method: clinical testing. Allele origin: germline. Affected: yes. Study: VKGL Data-share Consensus. Not counted in ClinVar's aggregate classification.